The following is an entry in ClinVar:

ClinVar aggregate classification (germline): Uncertain significance (1 of 4 stars; one submission).

Submission:

GeneDx
Classification: Uncertain significance. Last evaluated: 2019-12-09. Review status: criteria provided, single submitter. Criteria: GeneDx Variant Classification Process June 2021. Collection method: clinical testing. Allele origin: germline. Affected: yes.
Comment: Not observed in large population cohorts (Lek et al., 2016); Nonsense variant predicted to result in protein truncation, although loss-of-function variants have not been reported downstream of this position in the protein; Has not been previously published as pathogenic or benign to our knowledge

NM_018263.6(ASXL2):c.3808C>T (p.Gln1270Ter)

Gene: ASXL2 (ASXL transcriptional regulator 2; minus strand). Cytogenetic location: 2p23.3.
Variant type: single nucleotide variant.
Coding change: c.3808C>T on transcript NM_018263.6 (MANE Select); coding-DNA position 3808, C replaced by T.
Protein change: p.Gln1270Ter; replaces glutamine 1270 with a stop codon.
Molecular consequence: nonsense.
Genome position (GRCh38, 1-based): chr2:25,742,529, G>A on the plus strand (C>T on the coding strand, the complement: ASXL2 is on the minus strand). VCF-style: chr2-25742529-G-A. GRCh37 (hg19) VCF-style: chr2-25965398-G-A.
Other names: c.3634C>T, p.Gln1212Ter (NM_001369346.1); c.3028C>T, p.Gln1010Ter (NM_001369347.1); short protein forms Q1010*, Q1212*, Q1270*.
Identifiers: ClinVar variation 1311054 (VCV001311054.2), dbSNP rs2149135838, ClinGen allele CA346075943.